The following is an entry in ClinVar:

ClinVar aggregate classification (germline): Uncertain significance (1 of 4 stars; one submission).

Submission:

Labcorp Genetics (formerly Invitae), Labcorp
Classification: Uncertain significance. Last evaluated: 2022-08-13. Review status: criteria provided, single submitter. Criteria: Invitae Variant Classification Sherloc (09022015). Collection method: clinical testing. Allele origin: germline.
Comment: In summary, the available evidence is currently insufficient to determine the role of this variant in disease. Therefore, it has been classified as a Variant of Uncertain Significance. Algorithms developed to predict the effect of missense changes on protein structure and function (SIFT, PolyPhen-2, Align-GVGD) all suggest that this variant is likely to be tolerated. This variant has not been reported in the literature in individuals affected with WHSC1-related conditions. This variant is not present in population databases (gnomAD no frequency). This sequence change replaces cysteine, which is neutral and slightly polar, with glycine, which is neutral and non-polar, at codon 207 of the WHSC1 protein (p.Cys207Gly).

NM_001042424.3(NSD2):c.619T>G (p.Cys207Gly)

Gene: NSD2 (nuclear receptor binding SET domain protein 2; plus strand). Cytogenetic location: 4p16.3.
Variant type: single nucleotide variant.
Coding change: c.619T>G on transcript NM_001042424.3 (MANE Select); coding-DNA position 619, T replaced by G.
Protein change: p.Cys207Gly; replaces cysteine 207 with glycine.
Molecular consequence: missense variant.
Genome position (GRCh38, 1-based): chr4:1,904,237, T>G. VCF-style: chr4-1904237-T-G. GRCh37 (hg19) VCF-style: chr4-1905964-T-G.
Other names: c.619T>G, p.Cys207Gly (NM_007331.2, NM_133330.3, NM_133331.3 and 2 more transcripts); short protein forms C207G.
Identifiers: ClinVar variation 2007469 (VCV002007469.4), dbSNP rs1717589746, ClinGen allele CA355996334.
Genomic context (GRCh38, chr4:1,904,237, plus strand): 5'-TGGATGTGTTAGTGTTTGTCTTCTGTTGTTCATTTTCAGATTCCAGCTAAGAAAGAGTCT[T>G]GTCCAAACACTGGAAGAGACAAAGACCACCTGTTGAAATACAACGTTGGTGATTTGGTGT-3'
Protein context (NP_001035889.1, residues 197-217): DKKIPAKKES[Cys207Gly]PNTGRDKDHL